The following is an entry in ClinVar:

NM_003737.4(DCHS1):c.9071C>T (p.Ser3024Phe)

Gene: DCHS1 (dachsous cadherin-related 1; minus strand). Cytogenetic location: 11p15.4.
Variant type: single nucleotide variant.
Coding change: c.9071C>T on transcript NM_003737.4 (MANE Select); coding-DNA position 9071, C replaced by T.
Protein change: p.Ser3024Phe; replaces serine 3024 with phenylalanine.
Molecular consequence: missense variant.
Genome position (GRCh38, 1-based): chr11:6,622,605, G>A on the plus strand (C>T on the coding strand, the complement: DCHS1 is on the minus strand). VCF-style: chr11-6622605-G-A. GRCh37 (hg19) VCF-style: chr11-6643836-G-A.
Other names: short protein forms S3024F.
Identifiers: ClinVar variation 2796503 (VCV002796503.3), dbSNP rs1199563421, ClinGen allele CA379479679.

ClinVar aggregate classification (germline): Uncertain significance (1 of 4 stars; one submission).

Allele frequency attached by ClinVar (database versions not stated): TOPMed below 0.00001.

Submission:

Labcorp Genetics (formerly Invitae), Labcorp
Classification: Uncertain significance. Last evaluated: 2023-11-07. Review status: criteria provided, single submitter. Criteria: Invitae Variant Classification Sherloc (09022015). Collection method: clinical testing. Allele origin: germline.
Comment: This sequence change replaces serine, which is neutral and polar, with phenylalanine, which is neutral and non-polar, at codon 3024 of the DCHS1 protein (p.Ser3024Phe). This variant is not present in population databases (gnomAD no frequency). This variant has not been reported in the literature in individuals affected with DCHS1-related conditions. Advanced modeling of protein sequence and biophysical properties (such as structural, functional, and spatial information, amino acid conservation, physicochemical variation, residue mobility, and thermodynamic stability) performed at Invitae indicates that this missense variant is not expected to disrupt DCHS1 protein function with a negative predictive value of 80%. In summary, the available evidence is currently insufficient to determine the role of this variant in disease. Therefore, it has been classified as a Variant of Uncertain Significance.